The following is an entry in ClinVar:

ClinVar aggregate classification (germline): Likely benign. Review status: criteria provided, multiple submitters, no conflicts (2 of 4 stars). 3 submissions from 3 submitters: Likely benign (2). 1 of the submissions does not count toward it. Last evaluated 2025-03-29.

Conditions:
RAI1-related disorder. Also called: RAI1-related condition.

Allele frequency attached by ClinVar (database versions not stated): gnomAD exomes below 0.00001 and 0.00001; ExAC 0.00002; TOPMed 0.00004; gnomAD 0.00007.
gnomAD v4.1: 15 of 1,613,952 alleles (0.00093%); highest among the groups gnomAD compares: African/African-American, 0.02%; no homozygotes.

Submissions (3):

Labcorp Genetics (formerly Invitae), Labcorp
Classification: Likely benign. Last evaluated: 2025-03-29. Review status: criteria provided, single submitter. Criteria: Invitae Variant Classification Sherloc (09022015). Collection method: clinical testing. Allele origin: germline.

CeGaT Center for Human Genetics Tuebingen
Classification: Likely benign. Last evaluated: 2024-01-01. Review status: criteria provided, single submitter. Criteria: CeGaT Center For Human Genetics Tuebingen Variant Classification Criteria Version 2. Collection method: clinical testing. Allele origin: germline. Affected: yes. Observed: 1 variant allele.
Comment: RAI1: BP4, BP7, BS2

PreventionGenetics, part of Exact Sciences
Classification: Likely benign for RAI1-related condition. Last evaluated: 2021-07-01. Review status: no assertion criteria provided. Collection method: clinical testing. Allele origin: germline. Not counted in ClinVar's aggregate classification.
Comment: This variant is classified as likely benign based on ACMG/AMP sequence variant interpretation guidelines (Richards et al. 2015 PMID: 25741868, with internal and published modifications).

NM_030665.4(RAI1):c.4806G>A (p.Glu1602=)

Gene: RAI1 (retinoic acid induced 1; plus strand). Cytogenetic location: 17p11.2.
Variant type: single nucleotide variant.
Coding change: c.4806G>A on transcript NM_030665.4 (MANE Select); coding-DNA position 4806, G replaced by A.
Protein change: p.Glu1602=; no amino-acid change (glutamic acid 1602 retained).
Molecular consequence: synonymous variant.
Genome position (GRCh38, 1-based): chr17:17,797,754, G>A. VCF-style: chr17-17797754-G-A. GRCh37 (hg19) VCF-style: chr17-17701068-G-A.
Other names: c.4806G>A (NM_030665.3).
Identifiers: ClinVar variation 1620174 (VCV001620174.30), dbSNP rs749101536, ClinGen allele CA8419030.